The following is an entry in ClinVar:

NM_000363.5(TNNI3):c.299T>C (p.Leu100Pro)

Gene: TNNI3 (troponin I3, cardiac type; minus strand). Cytogenetic location: 19q13.42.
Variant type: single nucleotide variant.
Coding change: c.299T>C on transcript NM_000363.5 (MANE Select); coding-DNA position 299, T replaced by C.
Protein change: p.Leu100Pro; replaces leucine 100 with proline.
Molecular consequence: missense variant.
Genome position (GRCh38, 1-based): chr19:55,154,814, A>G on the plus strand (T>C on the coding strand, the complement: TNNI3 is on the minus strand). VCF-style: chr19-55154814-A-G. GRCh37 (hg19) VCF-style: chr19-55666182-A-G.
Other names: p.Leu100Pro; short protein forms L100P.
Identifiers: ClinVar variation 4075741 (VCV004075741.1).
Genomic context (GRCh38, chr19:55,154,814, plus strand): 5'-TTGGTGACTTTTGCCTCTATGTCGTATCTCTCTTCATCCACCTTGTCCACACGGGCGTGG[A>G]GCTGTCGGCACAAGTCCTGGAGGAGGAACGTGGTGTGTGTTGTTGGGGGAACCAAAAACA-3'
Protein context (NP_000354.4, residues 90-110): FAELQDLCRQ[Leu100Pro]HARVDKVDEE

ClinVar aggregate classification (germline): Uncertain significance (1 of 4 stars; one submission).

Conditions:
Dilated cardiomyopathy 2A (CMD2A). Also called: CARDIOMYOPATHY, CONGESTIVE, AUTOSOMAL RECESSIVE; CARDIOMYOPATHY, DILATED, AUTOSOMAL RECESSIVE. Identifiers: Orphanet 154, MedGen C2678474, MONDO:0012746, OMIM 611880.

gnomAD v4.1: 1 of 1,614,056 alleles (0.000062%); no homozygotes.

Submission:

Department of Molecular Genetics, Istishari Arab Hospital
Classification: Uncertain significance for Dilated cardiomyopathy 2A. Last evaluated: 2025-08-17. Review status: criteria provided, single submitter. Criteria: ACMG Guidelines, 2015. Collection method: clinical testing. Allele origin: germline. Inheritance: Autosomal recessive inheritance. Affected: yes.
Comment: The TNNI3 variant c.299T>C, p.Leu100Pro causes an amino acid change from Leu to Pro at position 100. It is observed at an extremely low frequency in the gnomAD v4.1.0 dataset (total allele frequency: <0.001%). To the best of our knowledge, this variant was not previously reported in the literature. Different missense changes at the same codon (p.Leu100Val; p.Leu100Phe) have been reported to be associated with TNNI3-related cardiomyopathy. It is classified as a variant of uncertain significance based on ACMG/AMP/ClinGen SVI guidelines.

Literature cited by the submitters: PubMed 29255176.